The following is an entry in ClinVar:

NM_198576.4(AGRN):c.2794A>G (p.Asn932Asp)

Gene: AGRN (agrin; plus strand). Cytogenetic location: 1p36.33.
Variant type: single nucleotide variant.
Coding change: c.2794A>G on transcript NM_198576.4 (MANE Select); coding-DNA position 2794, A replaced by G.
Protein change: p.Asn932Asp; replaces asparagine 932 with aspartic acid.
Molecular consequence: missense variant.
Genome position (GRCh38, 1-based): chr1:1,046,077, A>G. VCF-style: chr1-1046077-A-G. GRCh37 (hg19) VCF-style: chr1-981457-A-G.
Other names: c.2794A>G, p.Asn932Asp (NM_001305275.2); c.2479A>G, p.Asn827Asp (NM_001364727.2); short protein forms N827D, N932D.
Identifiers: ClinVar variation 2917973 (VCV002917973.3), dbSNP rs1180957424, ClinGen allele CA337843457.
Genomic context (GRCh38, chr1:1,046,077, plus strand): 5'-TGCGTGGAGGAGTCTGGCTCAGCCCACTGTGTCTGCCCGATGCTCACCTGTCCAGAGGCC[A>G]ACGCTACCAAGGTGAGGGGTGTGGGATGTGAAGGGGAGTGGGGAGGAGGCCTCGCCTTGA-3'
Protein context (NP_940978.2, residues 922-942): VCPMLTCPEA[Asn932Asp]ATKVCGSDGV

ClinVar aggregate classification (germline): Uncertain significance (1 of 4 stars; one submission).

Conditions:
Congenital myasthenic syndrome 8. Also called: Myasthenic syndrome, congenital, 8, with pre- and postsynaptic defects; MYASTHENIC SYNDROME, CONGENITAL, DUE TO AGRIN DEFICIENCY. Identifiers: Orphanet 590, MedGen C3808739, MONDO:0014052, OMIM 615120.

Submission:

Labcorp Genetics (formerly Invitae), Labcorp
Classification: Uncertain significance for Congenital myasthenic syndrome 8. Last evaluated: 2023-08-20. Review status: criteria provided, single submitter. Criteria: Invitae Variant Classification Sherloc (09022015). Collection method: clinical testing. Allele origin: germline.
Comment: In summary, the available evidence is currently insufficient to determine the role of this variant in disease. Therefore, it has been classified as a Variant of Uncertain Significance. Algorithms developed to predict the effect of missense changes on protein structure and function output the following: SIFT: "Not Available"; PolyPhen-2: "Benign"; Align-GVGD: "Not Available". The aspartic acid amino acid residue is found in multiple mammalian species, which suggests that this missense change does not adversely affect protein function. This variant has not been reported in the literature in individuals affected with AGRN-related conditions. This variant is not present in population databases (gnomAD no frequency). This sequence change replaces asparagine, which is neutral and polar, with aspartic acid, which is acidic and polar, at codon 932 of the AGRN protein (p.Asn932Asp).